The following is an entry in ClinVar:

ClinVar aggregate classification (germline): Conflicting classifications of pathogenicity. Review status: criteria provided, conflicting classifications (1 of 4 stars). 4 submissions from 4 submitters: Uncertain significance (3); Likely benign (1). Last evaluated 2024-10-17.

Conditions:
Inborn genetic diseases. Identifiers: MedGen C0950123, MeSH D030342.
3-methylcrotonyl-CoA carboxylase 1 deficiency (MCC1D). Also called: MCCD TYPE 1; METHYLCROTONYLGLYCINURIA TYPE I; MCC 1 deficiency; 3 Alpha methylcrotonylglycinuria 1. Identifiers: Orphanet 6, MedGen CN028786, MONDO:0008861, OMIM 210200.

Allele frequency attached by ClinVar (database versions not stated): TOPMed 0.00011; gnomAD 0.00012; ESP Exome Variant Server 0.00015; ExAC 0.00019; gnomAD exomes 0.00022.

Submissions (4):

Labcorp Genetics (formerly Invitae), Labcorp
Classification: Uncertain significance for 3-methylcrotonyl-CoA carboxylase 1 deficiency. Last evaluated: 2024-10-17. Review status: criteria provided, single submitter. Criteria: Invitae Variant Classification Sherloc (09022015). Collection method: clinical testing. Allele origin: germline.
Comment: This sequence change replaces cysteine, which is neutral and slightly polar, with tyrosine, which is neutral and polar, at codon 129 of the MCCC1 protein (p.Cys129Tyr). This variant is present in population databases (rs150783093, gnomAD 0.04%). This variant has not been reported in the literature in individuals affected with MCCC1-related conditions. ClinVar contains an entry for this variant (Variation ID: 2246326). Invitae Evidence Modeling of protein sequence and biophysical properties (such as structural, functional, and spatial information, amino acid conservation, physicochemical variation, residue mobility, and thermodynamic stability) indicates that this missense variant is not expected to disrupt MCCC1 protein function with a negative predictive value of 95%. In summary, the available evidence is currently insufficient to determine the role of this variant in disease. Therefore, it has been classified as a Variant of Uncertain Significance.

Revvity Omics, Revvity
Classification: Uncertain significance for 3-methylcrotonyl-CoA carboxylase 1 deficiency. Last evaluated: 2023-02-06. Review status: criteria provided, single submitter. Criteria: ACMG Guidelines, 2015. Collection method: clinical testing. Allele origin: germline.

Ambry Genetics
Classification: Likely benign for Inborn genetic diseases. Last evaluated: 2021-11-12. Review status: criteria provided, single submitter. Criteria: Ambry Variant Classification Scheme 2023. Collection method: clinical testing. Allele origin: germline.

Baylor Genetics
Classification: Uncertain significance for 3-methylcrotonyl-CoA carboxylase 1 deficiency. Last evaluated: 2021-09-10. Review status: criteria provided, single submitter. Criteria: ACMG Guidelines, 2015. Collection method: clinical testing. Allele origin: unknown.

NM_020166.5(MCCC1):c.386G>A (p.Cys129Tyr)

Gene: MCCC1 (methylcrotonyl-CoA carboxylase subunit 1; minus strand). Cytogenetic location: 3q27.1.
Variant type: single nucleotide variant.
Coding change: c.386G>A on transcript NM_020166.5 (MANE Select); coding-DNA position 386, G replaced by A.
Protein change: p.Cys129Tyr; replaces cysteine 129 with tyrosine.
Molecular consequence: missense variant. On other transcripts: non-coding transcript variant (2), intron variant (1).
Genome position (GRCh38, 1-based): chr3:183,072,471, C>T on the plus strand (G>A on the coding strand, the complement: MCCC1 is on the minus strand). VCF-style: chr3-183072471-C-T. GRCh37 (hg19) VCF-style: chr3-182790259-C-T.
Other names: c.59G>A, p.Cys20Tyr (NM_001363880.1); c.141-1114G>A (NM_001293273.2); c.386G>A (NM_020166.3); short protein forms C129Y, C20Y.
Identifiers: ClinVar variation 2246326 (VCV002246326.9), dbSNP rs150783093, ClinGen allele CA2719080.